The following is an entry in ClinVar:

ClinVar aggregate classification (germline): Uncertain significance (1 of 4 stars; one submission).

Allele frequency attached by ClinVar (database versions not stated): TOPMed 0.00002; ExAC 0.00003; gnomAD 0.00003; gnomAD exomes 0.00004 and 0.00005; ESP Exome Variant Server 0.00008.
gnomAD v4.1: 82 of 1,614,084 alleles (0.0051%); highest among the groups gnomAD compares: Non-Finnish European, 0.0063%; no homozygotes.

Submission:

Labcorp Genetics (formerly Invitae), Labcorp
Classification: Uncertain significance. Last evaluated: 2021-06-06. Review status: criteria provided, single submitter. Criteria: Invitae Variant Classification Sherloc (09022015). Collection method: clinical testing. Allele origin: germline.
Comment: This sequence change replaces valine with isoleucine at codon 543 of the ATP2B4 protein (p.Val543Ile). The valine residue is highly conserved and there is a small physicochemical difference between valine and isoleucine. This variant is present in population databases (rs377636630, ExAC 0.006%). This variant has not been reported in the literature in individuals with ATP2B4-related conditions. Algorithms developed to predict the effect of missense changes on protein structure and function are either unavailable or do not agree on the potential impact of this missense change (SIFT: "Tolerated"; PolyPhen-2: "Probably Damaging"; Align-GVGD: "Class C0"). In summary, the available evidence is currently insufficient to determine the role of this variant in disease. Therefore, it has been classified as a Variant of Uncertain Significance.

NM_001684.5(ATP2B4):c.1627G>A (p.Val543Ile)

Gene: ATP2B4 (ATPase plasma membrane Ca2+ transporting 4; plus strand). Cytogenetic location: 1q32.1.
Variant type: single nucleotide variant.
Coding change: c.1627G>A on transcript NM_001684.5 (MANE Select); coding-DNA position 1627, G replaced by A.
Protein change: p.Val543Ile; replaces valine 543 with isoleucine.
Molecular consequence: missense variant.
Genome position (GRCh38, 1-based): chr1:203,709,370, G>A. VCF-style: chr1-203709370-G-A. GRCh37 (hg19) VCF-style: chr1-203678498-G-A.
Other names: c.1627G>A, p.Val543Ile (NM_001001396.3, NM_001365783.2, NM_001365784.2); short protein forms V543I.
Identifiers: ClinVar variation 1512221 (VCV001512221.8), dbSNP rs377636630, ClinGen allele CA1341661.
Genomic context (GRCh38, chr1:203,709,370, plus strand): 5'-AAGGAGGGAGGCCTGCCTCGGCAGGTGGGCAACAAGACCGAGTGTGCTCTGCTAGGCTTT[G>A]TCACAGATCTGAAGCAGGATTATCAGGCTGTGCGTAATGAAGTGCCCGAGGAGAAGCTCT-3'
Protein context (NP_001675.3, residues 533-553): NKTECALLGF[Val543Ile]TDLKQDYQAV